The following is an entry in ClinVar:

NM_014915.3(ANKRD26):c.4013T>C (p.Leu1338Ser)

Gene: ANKRD26 (ankyrin repeat domain containing 26; minus strand). Cytogenetic location: 10p12.1.
Variant type: single nucleotide variant.
Coding change: c.4013T>C on transcript NM_014915.3 (MANE Select); coding-DNA position 4013, T replaced by C.
Protein change: p.Leu1338Ser; replaces leucine 1338 with serine.
Molecular consequence: missense variant.
Genome position (GRCh38, 1-based): chr10:27,024,519, A>G on the plus strand (T>C on the coding strand, the complement: ANKRD26 is on the minus strand). VCF-style: chr10-27024519-A-G. GRCh37 (hg19) VCF-style: chr10-27313448-A-G.
Other names: c.4010T>C, p.Leu1337Ser (NM_001256053.2); short protein forms L1338S, L1337S.
Identifiers: ClinVar variation 3914725 (VCV003914725.1).

ClinVar aggregate classification (germline): Uncertain significance (1 of 4 stars; one submission).

Conditions:
Inborn genetic diseases. Identifiers: MedGen C0950123, MeSH D030342.

Submission:

Ambry Genetics
Classification: Uncertain significance for Inborn genetic diseases. Last evaluated: 2025-05-24. Review status: criteria provided, single submitter. Criteria: Ambry Variant Classification Scheme 2023. Collection method: clinical testing. Allele origin: germline.
Comment: The p.L1338S variant (also known as c.4013T>C), located in coding exon 28 of the ANKRD26 gene, results from a T to C substitution at nucleotide position 4013. The leucine at codon 1338 is replaced by serine, an amino acid with dissimilar properties. This amino acid position is conserved. In addition, the in silico prediction for this alteration is inconclusive. Based on the available evidence, the clinical significance of this variant remains unclear.